The following is an entry in ClinVar:

ClinVar aggregate classification (germline): Uncertain significance (1 of 4 stars; one submission).

Submission:

GeneDx
Classification: Uncertain significance. Last evaluated: 2020-02-27. Review status: criteria provided, single submitter. Criteria: GeneDx Variant Classification Process June 2021. Collection method: clinical testing. Allele origin: germline. Affected: yes.
Comment: Not observed in large population cohorts (Lek et al., 2016); In silico analysis supports that this missense variant does not alter protein structure/function; Has not been previously published as pathogenic or benign to our knowledge

NM_001378452.1(ITPR1):c.3078C>A (p.Ser1026Arg)

Gene: ITPR1 (inositol 1,4,5-trisphosphate receptor type 1; plus strand). Cytogenetic location: 3p26.1.
Variant type: single nucleotide variant.
Coding change: c.3078C>A on transcript NM_001378452.1 (MANE Select); coding-DNA position 3078, C replaced by A.
Protein change: p.Ser1026Arg; replaces serine 1026 with arginine.
Molecular consequence: missense variant.
Genome position (GRCh38, 1-based): chr3:4,680,663, C>A. VCF-style: chr3-4680663-C-A. GRCh37 (hg19) VCF-style: chr3-4722347-C-A.
Other names: c.3051C>A, p.Ser1017Arg (NM_001099952.4); c.3033C>A, p.Ser1011Arg (NM_001168272.2); c.3006C>A, p.Ser1002Arg (NM_002222.7); short protein forms S1002R, S1011R, S1017R, S1026R.
Identifiers: ClinVar variation 1315490 (VCV001315490.2), dbSNP rs2125227783, ClinGen allele CA351650271.